The following is an entry in ClinVar:

ClinVar aggregate classification (germline): Likely benign (1 of 4 stars; one submission).

Submission:

CeGaT Center for Human Genetics Tuebingen
Classification: Likely benign. Last evaluated: 2023-01-01. Review status: criteria provided, single submitter. Criteria: CeGaT Center For Human Genetics Tuebingen Variant Classification Criteria Version 2. Collection method: clinical testing. Allele origin: germline. Affected: yes. Observed: 1 variant allele.
Comment: RNF220: PM2:Supporting, BP4, BP7

NM_018150.4(RNF220):c.1251C>T (p.Cys417=)

Gene: RNF220 (ring finger protein 220; plus strand). Cytogenetic location: 1p34.1.
Variant type: single nucleotide variant.
Coding change: c.1251C>T on transcript NM_018150.4 (MANE Select); coding-DNA position 1251, C replaced by T.
Protein change: p.Cys417=; no amino-acid change (cysteine 417 retained).
Molecular consequence: synonymous variant.
Genome position (GRCh38, 1-based): chr1:44,645,022, C>T. VCF-style: chr1-44645022-C-T. GRCh37 (hg19) VCF-style: chr1-45110694-C-T.
Other names: c.1251C>T, p.Cys417= (NM_001319956.1, NM_001376488.1); c.612C>T, p.Cys204= (NM_001319957.2); c.1329C>T, p.Cys443= (NM_001376486.1, NM_001376487.1); c.477C>T, p.Cys159= (NM_001376489.1).
Identifiers: ClinVar variation 2638772 (VCV002638772.24), dbSNP rs2524627381, ClinGen allele CA417456546.